The following is an entry in ClinVar:

ClinVar aggregate classification (germline): Likely benign. Review status: criteria provided, single submitter (1 of 4 stars). 2 submissions from 2 submitters: Likely benign (1). 1 of the submissions does not count toward it. Last evaluated 2018-06-16.

Allele frequency attached by ClinVar (database versions not stated): gnomAD exomes 0.00066; gnomAD 0.00744 and 0.00800; 1000 Genomes Project 0.00819; TOPMed 0.00884; 1000 Genomes Project 30x 0.00890.
gnomAD v4.1: 2,105 of 1,545,078 alleles (0.14%); highest among the groups gnomAD compares: African/African-American, 2.5%; 21 homozygotes.

Submissions (2):

GeneDx
Classification: Likely benign. Last evaluated: 2018-06-16. Review status: criteria provided, single submitter. Criteria: GeneDx Variant Classification (06012015). Collection method: clinical testing. Allele origin: germline. Affected: yes.
Comment: This variant is considered likely benign or benign based on one or more of the following criteria: it is a conservative change, it occurs at a poorly conserved position in the protein, it is predicted to be benign by multiple in silico algorithms, and/or has population frequency not consistent with disease.

RYR1 database
No classification provided. Review status: no classification provided. Collection method: not provided. Allele origin: unknown. Not counted in ClinVar's aggregate classification.

NM_000540.3(RYR1):c.13514+77C>T

Gene: RYR1 (ryanodine receptor 1; plus strand). Cytogenetic location: 19q13.2.
Variant type: single nucleotide variant.
Coding change: c.13514+77C>T on transcript NM_000540.3 (MANE Select); 77 bases into the intron after coding-DNA position 13514, C replaced by T.
Molecular consequence: intron variant.
Genome position (GRCh38, 1-based): chr19:38,567,064, C>T. VCF-style: chr19-38567064-C-T. GRCh37 (hg19) VCF-style: chr19-39057704-C-T.
Other names: c.13499+77C>T (NM_001042723.2).
Identifiers: ClinVar variation 133051 (VCV000133051.2), dbSNP rs10405261, ClinGen allele CA024059.